The following is an entry in ClinVar:

ClinVar aggregate classification (germline): Pathogenic (1 of 4 stars; one submission).

Conditions:
Glycogen storage disease, type IV (GSD4). Also called: AMYLOPECTINOSIS; ANDERSEN DISEASE; BRANCHER DEFICIENCY; CIRRHOSIS, FAMILIAL, WITH DEPOSITION OF ABNORMAL GLYCOGEN; GBE1 DEFICIENCY; GLYCOGEN BRANCHING ENZYME DEFICIENCY. Identifiers: Orphanet 367, MedGen C0017923, MONDO:0009292, OMIM 232500.

Submission:

Myriad Genetics, Inc.
Classification: Pathogenic for Glycogen storage disease, type IV. Last evaluated: 2024-05-14. Review status: criteria provided, single submitter. Criteria: Myriad Autosomal Dominant, Autosomal Recessive and X-Linked Classification Criteria (2023). Collection method: clinical testing. Allele origin: unknown.
Comment: NM_000158.3(GBE1):c.769_770ins13(F257Cfs*15) is expected to be pathogenic in the context of glycogen storage disease, GBE1-related. This variant is predicted to lead to an abnormal or absent protein product due to the creation of a premature termination codon in GBE1, a gene where loss-of-function variants are known to be pathogenic. Please note: this variant was assessed in the context of healthy population screening.

NM_000158.4(GBE1):c.769_770insGTCTCTTATACAC (p.Phe257fs)

Gene: GBE1 (1,4-alpha-glucan branching enzyme 1; minus strand). Cytogenetic location: 3p12.2.
Variant type: Insertion.
Coding change: c.769_770insGTCTCTTATACAC on transcript NM_000158.4 (MANE Select); coding-DNA positions 769 to 770, GTCTCTTATACAC inserted.
Protein change: p.Phe257fs; shifts the reading frame from phenylalanine 257.
Molecular consequence: frameshift variant.
Genome position: GRCh38 VCF-style: chr3-81646404-A-AGTGTATAAGAGAC. GRCh37 (hg19) VCF-style: chr3-81695555-A-AGTGTATAAGAGAC.
Other names: short protein forms F257fs.
Identifiers: ClinVar variation 5010836 (VCV005010836.1).